The following is an entry in ClinVar:

NM_001267550.2(TTN):c.1834A>G (p.Lys612Glu)

Gene: TTN (titin; minus strand). Cytogenetic location: 2q31.2.
Variant type: single nucleotide variant.
Coding change: c.1834A>G on transcript NM_001267550.2 (MANE Select); coding-DNA position 1834, A replaced by G.
Protein change: p.Lys612Glu; replaces lysine 612 with glutamic acid.
Molecular consequence: missense variant.
Genome position (GRCh38, 1-based): chr2:178,790,082, T>C on the plus strand (A>G on the coding strand, the complement: TTN is on the minus strand). VCF-style: chr2-178790082-T-C. GRCh37 (hg19) VCF-style: chr2-179654809-T-C.
Other names: c.1834A>G, p.Lys612Glu (NM_001256850.1, NM_133378.4, NM_133379.5); c.1696A>G, p.Lys566Glu (NM_003319.4, NM_133432.3, NM_133437.4); short protein forms K612E, K566E.
Identifiers: ClinVar variation 179976 (VCV000179976.20), dbSNP rs727505256, ClinGen allele CA185553.

ClinVar aggregate classification (germline): Conflicting classifications of pathogenicity. Review status: criteria provided, conflicting classifications (1 of 4 stars). 6 submissions from 6 submitters: Uncertain significance (2); Likely benign (4). Last evaluated 2026-08-21.

Conditions:
TTN-related disorder. Also called: TTN-related condition; TTN-related disease; TTN-related disorders.
Dilated cardiomyopathy 1G (CMD1G). Identifiers: Orphanet 154, MedGen C1858763, MONDO:0011400, OMIM 604145.
Autosomal recessive limb-girdle muscular dystrophy type 2J (LGMDR10). Also called: Limb-girdle muscular dystrophy, type 2J; MUSCULAR DYSTROPHY, LIMB-GIRDLE, AUTOSOMAL RECESSIVE 10. Identifiers: Orphanet 140922, MedGen C1837342, MONDO:0012127, OMIM 608807.

Allele frequency attached by ClinVar (database versions not stated): ExAC 0.00006; gnomAD 0.00006 and 0.00005; gnomAD exomes 0.00009 and 0.00004; TOPMed 0.00004.
gnomAD v4.1: 62 of 1,612,992 alleles (0.0038%); highest among the groups gnomAD compares: Middle Eastern, 0.016%; no homozygotes.

Submissions (6):

PreventionGenetics, part of Exact Sciences
Classification: Uncertain significance for TTN-related condition. Last evaluated: 2026-08-21. Review status: criteria provided, single submitter. Criteria: ACMG Guidelines, 2015. Collection method: clinical testing. Allele origin: germline.
Comment: The TTN c.1834A>G variant is predicted to result in the amino acid substitution p.Lys612Glu. To our knowledge, this variant has not been reported in the literature. This variant is reported in 0.21% of alleles in individuals of Ashkenazi Jewish descent in gnomAD. Although we suspect that this variant may be benign, at this time, the clinical significance of this variant is uncertain due to the absence of conclusive functional and genetic evidence.

Labcorp Genetics (formerly Invitae), Labcorp
Classification: Likely benign for Dilated cardiomyopathy 1G; Autosomal recessive limb-girdle muscular dystrophy type 2J. Last evaluated: 2026-01-25. Review status: criteria provided, single submitter. Criteria: Invitae Variant Classification Sherloc (09022015). Collection method: clinical testing. Allele origin: germline.

Women's Health and Genetics/Laboratory Corporation of America, LabCorp
Classification: Likely benign. Last evaluated: 2025-11-28. Review status: criteria provided, single submitter. Criteria: LabCorp Variant Classification Summary - May 2015. Collection method: clinical testing. Allele origin: germline.
Comment: Variant summary: TTN c.1834A>G (p.Lys612Glu) results in a conservative amino acid change in the encoded protein sequence. Algorithms developed to predict the effect of missense changes on protein structure and function all suggest that this variant is likely to be tolerated. The variant allele was found at a frequency of 9.2e-05 in 251028 control chromosomes, predominantly at a frequency of 0.0021 within the Ashkenazi Jewish subpopulation in the gnomAD database. The observed variant frequency within Ashkenazi Jewish control individuals in the gnomAD database exceeds the estimated maximal expected allele frequency for disease-causing variants in TTN. To our knowledge, no occurrence of c.1834A>G in individuals affected with TTN-related conditions and no experimental evidence demonstrating its impact on protein function have been reported. ClinVar contains an entry for this variant (Variation ID: 179976). Based on the evidence outlined above, the variant was classified as likely benign.

Revvity Omics, Revvity
Classification: Likely benign. Last evaluated: 2023-10-25. Review status: criteria provided, single submitter. Criteria: ACMG Guidelines, 2015. Collection method: clinical testing. Allele origin: germline.

GeneDx
Classification: Likely benign. Last evaluated: 2018-01-02. Review status: criteria provided, single submitter. Criteria: GeneDx Variant Classification (06012015). Collection method: clinical testing. Allele origin: germline. Affected: yes.
Comment: This variant is considered likely benign or benign based on one or more of the following criteria: it is a conservative change, it occurs at a poorly conserved position in the protein, it is predicted to be benign by multiple in silico algorithms, and/or has population frequency not consistent with disease.

Laboratory for Molecular Medicine, Mass General Brigham Personalized Medicine
Classification: Uncertain significance. Last evaluated: 2014-08-27. Review status: criteria provided, single submitter. Criteria: LMM Criteria. Collection method: clinical testing. Allele origin: germline. Observed: 1 variant allele.
Comment: The Lys612Glu variant in TTN has not been previously reported in individuals wit h cardiomyopathy and was absent from large population studies. Computational pre diction tools and conservation analysis suggest this variant may not impact the protein, though this information is not predictive enough to rule out pathogenic ity. In summary, the clinical significance of the Lys612Glu variant is uncertain .